The following is an entry in ClinVar:

ClinVar aggregate classification (germline): Uncertain significance (1 of 4 stars; one submission).

Allele frequency attached by ClinVar (database versions not stated): gnomAD exomes below 0.00001.
gnomAD v4.1: 4 of 1,557,902 alleles (0.00026%); highest among the groups gnomAD compares: African/African-American, 0.0041%; no homozygotes.

Submission:

Ambry Genetics
Classification: Uncertain significance. Last evaluated: 2023-03-05. Review status: criteria provided, single submitter. Criteria: Ambry Variant Classification Scheme 2023. Collection method: clinical testing. Allele origin: germline.
Comment: The p.V142I variant (also known as c.424G>A), located in coding exon 1 of the TERF2IP gene, results from a G to A substitution at nucleotide position 424. The valine at codon 142 is replaced by isoleucine, an amino acid with highly similar properties. This amino acid position is conserved. In addition, this alteration is predicted to be tolerated by in silico analysis. Since supporting evidence is limited at this time, the clinical significance of this alteration remains unclear.

NM_018975.4(TERF2IP):c.424G>A (p.Val142Ile)

Gene: TERF2IP (TERF2 interacting protein; plus strand). Cytogenetic location: 16q23.1.
Variant type: single nucleotide variant.
Coding change: c.424G>A on transcript NM_018975.4 (MANE Select); coding-DNA position 424, G replaced by A.
Protein change: p.Val142Ile; replaces valine 142 with isoleucine.
Molecular consequence: missense variant. On other transcripts: non-coding transcript variant (1).
Genome position (GRCh38, 1-based): chr16:75,648,306, G>A. VCF-style: chr16-75648306-G-A. GRCh37 (hg19) VCF-style: chr16-75682204-G-A.
Other names: short protein forms V142I.
Identifiers: ClinVar variation 2447518 (VCV002447518.2), dbSNP rs2507074159, ClinGen allele CA396817877.